The following is an entry in ClinVar:

ClinVar aggregate classification (germline): Uncertain significance (1 of 4 stars; one submission).

Submission:

Labcorp Genetics (formerly Invitae), Labcorp
Classification: Uncertain significance. Last evaluated: 2026-01-05. Review status: criteria provided, single submitter. Criteria: Invitae Variant Classification Sherloc (09022015). Collection method: clinical testing. Allele origin: germline.
Comment: This sequence change replaces aspartic acid, which is acidic and polar, with tyrosine, which is neutral and polar, at codon 535 of the DEAF1 protein (p.Asp535Tyr). This variant is not present in population databases (gnomAD no frequency). This variant has not been reported in the literature in individuals affected with DEAF1-related conditions. ClinVar contains an entry for this variant (Variation ID: 2094341). Invitae Evidence Modeling of protein sequence and biophysical properties (such as structural, functional, and spatial information, amino acid conservation, physicochemical variation, residue mobility, and thermodynamic stability) has been performed for this missense variant. However, the output from this modeling did not meet the statistical confidence thresholds required to predict the impact of this variant on DEAF1 protein function. In summary, the available evidence is currently insufficient to determine the role of this variant in disease. Therefore, it has been classified as a Variant of Uncertain Significance.

NM_021008.4(DEAF1):c.1603G>T (p.Asp535Tyr)

Gene: DEAF1 (DEAF1 transcription factor; minus strand). Cytogenetic location: 11p15.5.
Variant type: single nucleotide variant.
Coding change: c.1603G>T on transcript NM_021008.4 (MANE Select); coding-DNA position 1603, G replaced by T.
Protein change: p.Asp535Tyr; replaces aspartic acid 535 with tyrosine.
Molecular consequence: missense variant.
Genome position (GRCh38, 1-based): chr11:644,645, C>A on the plus strand (G>T on the coding strand, the complement: DEAF1 is on the minus strand). VCF-style: chr11-644645-C-A. GRCh37 (hg19) VCF-style: chr11-644645-C-A.
Other names: c.1378G>T, p.Asp460Tyr (NM_001293634.2); c.877G>T, p.Asp293Tyr (NM_001367390.1); short protein forms D293Y, D535Y, D460Y.
Identifiers: ClinVar variation 2094341 (VCV002094341.4), dbSNP rs2494212890, ClinGen allele CA379012554.